The following is an entry in ClinVar:

NM_000135.4(FANCA):c.731T>A (p.Leu244Ter)

Gene: FANCA (FA complementation group A; minus strand). Cytogenetic location: 16q24.3.
Variant type: single nucleotide variant.
Coding change: c.731T>A on transcript NM_000135.4 (MANE Select); coding-DNA position 731, T replaced by A.
Protein change: p.Leu244Ter; replaces leucine 244 with a stop codon.
Molecular consequence: nonsense.
Genome position (GRCh38, 1-based): chr16:89,803,320, A>T on the plus strand (T>A on the coding strand, the complement: FANCA is on the minus strand). VCF-style: chr16-89803320-A-T. GRCh37 (hg19) VCF-style: chr16-89869728-A-T.
Other names: c.731T>A, p.Leu244Ter (NM_001018112.3, NM_001286167.3); c.635T>A, p.Leu212Ter (NM_001351830.2); short protein forms L212*, L244*.
Identifiers: ClinVar variation 1069968 (VCV001069968.8), dbSNP rs868620166, ClinGen allele CA397476360.
Genomic context (GRCh38, chr16:89,803,320, plus strand): 5'-TGCGGCATTTTTTCAGGCTCCACAGTTCTTCTCAGATCTGAGTTTTTCTGAAATCCCCTC[A>T]AAACAAACATTTGAACAAAATCTGAAAAACCATAAAACCAAAGTTATTTATGGACATCAT-3'

ClinVar aggregate classification (germline): Pathogenic. Review status: criteria provided, multiple submitters, no conflicts (2 of 4 stars). 2 submissions from 2 submitters: Pathogenic (2). Last evaluated 2024-05-08.

Conditions:
Fanconi anemia (FA). Also called: Fanconi's anemia. Identifiers: Orphanet 84, MedGen C0015625, MeSH D005199, MONDO:0019391.
Fanconi anemia complementation group A (FANCA). Also called: FANCA-Related Fanconi Anemia; Fanconi anemia, group A. Identifiers: Orphanet 84, MedGen C3469521, MONDO:0009215, OMIM 227650.

Submissions (2):

Myriad Genetics, Inc.
Classification: Pathogenic for Fanconi anemia complementation group A. Last evaluated: 2024-05-08. Review status: criteria provided, single submitter. Criteria: Myriad Autosomal Dominant, Autosomal Recessive and X-Linked Classification Criteria (2023). Collection method: clinical testing. Allele origin: unknown.
Comment: NM_000135.2(FANCA):c.731T>A(L244*) is expected to be pathogenic in the context of Fanconi anemia complementation group A. This variant is predicted to lead to an abnormal or absent protein product due to the creation of a premature termination codon in FANCA, a gene where loss-of-function variants are known to be pathogenic. Please note: this variant was assessed in the context of healthy population screening.

Labcorp Genetics (formerly Invitae), Labcorp
Classification: Pathogenic for Fanconi anemia. Last evaluated: 2020-08-10. Review status: criteria provided, single submitter. Criteria: Invitae Variant Classification Sherloc (09022015). Collection method: clinical testing. Allele origin: germline.
Comment: For these reasons, this variant has been classified as Pathogenic. Loss-of-function variants in FANCA are known to be pathogenic (PMID: 19367192). Algorithms developed to predict the effect of sequence changes on RNA splicing suggest that this variant may create or strengthen a splice site, but this prediction has not been confirmed by published transcriptional studies. This variant has not been reported in the literature in individuals with FANCA-related conditions. This variant is not present in population databases (ExAC no frequency). This sequence change creates a premature translational stop signal (p.Leu244*) in the FANCA gene. It is expected to result in an absent or disrupted protein product.

Literature cited by the submitters: PubMed 19367192 (cited by Labcorp Genetics (formerly Invitae), Labcorp).